The following is an entry in ClinVar:

NM_058246.4(DNAJB6):c.385C>A (p.Pro129Thr)

Gene: DNAJB6 (DnaJ heat shock protein family (Hsp40) member B6; plus strand). Cytogenetic location: 7q36.3.
Variant type: single nucleotide variant.
Coding change: c.385C>A on transcript NM_058246.4 (MANE Select); coding-DNA position 385, C replaced by A.
Protein change: p.Pro129Thr; replaces proline 129 with threonine.
Molecular consequence: missense variant. On other transcripts: intron variant (1).
Genome position (GRCh38, 1-based): chr7:157,382,284, C>A. VCF-style: chr7-157382284-C-A. GRCh37 (hg19) VCF-style: chr7-157174978-C-A.
Other names: c.385C>A, p.Pro129Thr (NM_005494.3); c.346+14801C>A (NM_001363676.1); short protein forms P129T.
Identifiers: ClinVar variation 2123431 (VCV002123431.4), dbSNP rs2536084497, ClinGen allele CA370166373.

ClinVar aggregate classification (germline): Uncertain significance (1 of 4 stars; one submission).

Conditions:
Autosomal dominant limb-girdle muscular dystrophy type 1D (DNAJB6) (LGMDD1). Also called: MUSCULAR DYSTROPHY, LIMB-GIRDLE, TYPE 1D; Autosomal dominant limb-girdle muscular dystrophy type 1D; Muscular dystrophy, limb-girdle, autosomal dominant 1; MUSCULAR DYSTROPHY, AUTOSOMAL DOMINANT, WITH RIMMED VACUOLES. Identifiers: Orphanet 34516, MedGen C4721885, MONDO:0021018, OMIM 603511.

Submission:

Labcorp Genetics (formerly Invitae), Labcorp
Classification: Uncertain significance for Autosomal dominant limb-girdle muscular dystrophy type 1D (DNAJB6). Last evaluated: 2022-04-09. Review status: criteria provided, single submitter. Criteria: Invitae Variant Classification Sherloc (09022015). Collection method: clinical testing. Allele origin: germline.
Comment: This sequence change replaces proline, which is neutral and non-polar, with threonine, which is neutral and polar, at codon 129 of the DNAJB6 protein (p.Pro129Thr). This variant is not present in population databases (gnomAD no frequency). This variant has not been reported in the literature in individuals affected with DNAJB6-related conditions. Algorithms developed to predict the effect of missense changes on protein structure and function output the following: SIFT: "Tolerated"; PolyPhen-2: "Possibly Damaging"; Align-GVGD: "Class C0". The threonine amino acid residue is found in multiple mammalian species, which suggests that this missense change does not adversely affect protein function. In summary, the available evidence is currently insufficient to determine the role of this variant in disease. Therefore, it has been classified as a Variant of Uncertain Significance.